The following is an entry in ClinVar:

ClinVar aggregate classification (germline): Uncertain significance (1 of 4 stars; one submission).

Allele frequency attached by ClinVar (database versions not stated): gnomAD exomes below 0.00001 and 0.00001; TOPMed 0.00001.
gnomAD v4.1: 3 of 1,602,696 alleles (0.00019%); highest among the groups gnomAD compares: Admixed American, 0.0034%; no homozygotes.

Submission:

Labcorp Genetics (formerly Invitae), Labcorp
Classification: Uncertain significance. Last evaluated: 2024-10-25. Review status: criteria provided, single submitter. Criteria: Invitae Variant Classification Sherloc (09022015). Collection method: clinical testing. Allele origin: germline.
Comment: This sequence change replaces histidine, which is basic and polar, with arginine, which is basic and polar, at codon 403 of the PDZD7 protein (p.His403Arg). The frequency data for this variant in the population databases is considered unreliable, as metrics indicate poor data quality at this position in the gnomAD database. This variant has not been reported in the literature in individuals affected with PDZD7-related conditions. ClinVar contains an entry for this variant (Variation ID: 1477873). Invitae Evidence Modeling of protein sequence and biophysical properties (such as structural, functional, and spatial information, amino acid conservation, physicochemical variation, residue mobility, and thermodynamic stability) indicates that this missense variant is not expected to disrupt PDZD7 protein function with a negative predictive value of 80%. In summary, the available evidence is currently insufficient to determine the role of this variant in disease. Therefore, it has been classified as a Variant of Uncertain Significance.

NM_001195263.2(PDZD7):c.1208A>G (p.His403Arg)

Gene: PDZD7 (PDZ domain containing 7; minus strand). Cytogenetic location: 10q24.31.
Variant type: single nucleotide variant.
Coding change: c.1208A>G on transcript NM_001195263.2 (MANE Select); coding-DNA position 1208, A replaced by G.
Protein change: p.His403Arg; replaces histidine 403 with arginine.
Molecular consequence: missense variant.
Genome position (GRCh38, 1-based): chr10:101,018,938, T>C on the plus strand (A>G on the coding strand, the complement: PDZD7 is on the minus strand). VCF-style: chr10-101018938-T-C. GRCh37 (hg19) VCF-style: chr10-102778695-T-C.
Other names: c.1208A>G, p.His403Arg (NM_001351044.2, NM_024895.5); short protein forms H403R.
Identifiers: ClinVar variation 1477873 (VCV001477873.5), dbSNP rs921239445, ClinGen allele CA212983975.